The following is an entry in ClinVar:

NM_001099922.3(ALG13):c.371A>G (p.Tyr124Cys)

Gene: ALG13 (ALG13 UDP-N-acetylglucosaminyltransferase subunit; plus strand). Cytogenetic location: Xq23.
Variant type: single nucleotide variant.
Coding change: c.371A>G on transcript NM_001099922.3 (MANE Select); coding-DNA position 371, A replaced by G.
Protein change: p.Tyr124Cys; replaces tyrosine 124 with cysteine.
Molecular consequence: missense variant. On other transcripts: synonymous variant (1), non-coding transcript variant (3).
Genome position (GRCh38, 1-based): chrX:111,685,091, A>G. VCF-style: chrX-111685091-A-G. GRCh37 (hg19) VCF-style: chrX-110928319-A-G.
Other names: c.312A>G, p.Leu104= (NM_001039210.5); c.371A>G, p.Tyr124Cys (NM_001168385.3, NM_001324292.2, NM_018466.6); c.59A>G, p.Tyr20Cys (NM_001257230.2, NM_001257234.2, NM_001257235.3 and 6 more transcripts); c.137A>G, p.Tyr46Cys (NM_001257231.2, NM_001257241.3); c.377A>G, p.Tyr126Cys (NM_001324290.2); short protein forms Y20C, Y124C, Y126C, Y46C.
Identifiers: ClinVar variation 473117 (VCV000473117.56), dbSNP rs145518377, ClinGen allele CA10493488.
Genomic context (GRCh38, chrX:111,685,091, plus strand): 5'-TGATGAACAATCATCAGCTGGAACTGGCAAAGCAGCTACACAAAGAGGGTCATCTCTTCT[A>G]TTGTACCTGCAGGTATGCTAGAGACTGATTATTATTATCTCTTGCCTTAATTCGTCCCTT-3'
Protein context (NP_001093392.1, residues 114-134): KQLHKEGHLF[Tyr124Cys]CTCRVLTCPG

ClinVar aggregate classification (germline): Conflicting classifications of pathogenicity. Review status: criteria provided, conflicting classifications (1 of 4 stars). 5 submissions from 5 submitters: Uncertain significance (1); Likely benign (4). Last evaluated 2026-01-01.

Conditions:
Developmental and epileptic encephalopathy, 36 (DEE36). Also called: Congenital disorder of glycosylation, type Is; ALG13-CDG; Epileptic encephalopathy, early infantile, 36. Identifiers: Orphanet 324422, MedGen C4317295, MONDO:0010472, OMIM 300884.
ALG13-related disorder. Also called: ALG13-related condition.
Inborn genetic diseases. Identifiers: MedGen C0950123, MeSH D030342.

Allele frequency attached by ClinVar (database versions not stated): ExAC 0.00015; gnomAD exomes 0.00017; 1000 Genomes Project 30x 0.00021; 1000 Genomes Project 0.00026; gnomAD 0.00034 and 0.00035; TOPMed 0.00037; ESP Exome Variant Server 0.00047.
gnomAD v4.1: 90 of 1,207,228 alleles (0.0075%); highest among the groups gnomAD compares: African/African-American, 0.082%; no homozygotes.

Submissions (5):

CeGaT Center for Human Genetics Tuebingen
Classification: Likely benign. Last evaluated: 2026-01-01. Review status: criteria provided, single submitter. Criteria: CeGaT Center For Human Genetics Tuebingen Variant Classification Criteria Version 2. Collection method: clinical testing. Allele origin: germline. Affected: yes. Observed: 2 variant alleles.
Comment: ALG13: BS2

Labcorp Genetics (formerly Invitae), Labcorp
Classification: Likely benign for Developmental and epileptic encephalopathy, 36. Last evaluated: 2025-11-17. Review status: criteria provided, single submitter. Criteria: Invitae Variant Classification Sherloc (09022015). Collection method: clinical testing. Allele origin: germline.

PreventionGenetics, part of Exact Sciences
Classification: Likely benign for ALG13-related condition. Last evaluated: 2025-02-13. Review status: criteria provided, single submitter. Criteria: ACMG Guidelines, 2015. Collection method: clinical testing. Allele origin: germline.
Comment: This variant is classified as likely benign based on ACMG/AMP sequence variant interpretation guidelines (Richards et al. 2015 PMID: 25741868, with internal and published modifications).

Ambry Genetics
Classification: Likely benign for Inborn genetic diseases. Last evaluated: 2024-09-09. Review status: criteria provided, single submitter. Criteria: Ambry Variant Classification Scheme 2023. Collection method: clinical testing. Allele origin: germline.

GeneDx
Classification: Uncertain significance. Last evaluated: 2021-07-12. Review status: criteria provided, single submitter. Criteria: GeneDx Variant Classification Process June 2021. Collection method: clinical testing. Allele origin: germline. Affected: yes.
Comment: Has not been previously published as pathogenic or benign to our knowledge; In silico analysis supports that this missense variant has a deleterious effect on protein structure/function; This variant is associated with the following publications: (PMID: 27535533)